The following is an entry in ClinVar:

ClinVar aggregate classification (germline): Uncertain significance (1 of 4 stars; one submission).

Submission:

Labcorp Genetics (formerly Invitae), Labcorp
Classification: Uncertain significance. Last evaluated: 2022-08-07. Review status: criteria provided, single submitter. Criteria: Invitae Variant Classification Sherloc (09022015). Collection method: clinical testing. Allele origin: germline.
Comment: This sequence change creates a premature translational stop signal (p.Thr113Tyrfs*11) in the IFT88 gene. It is expected to result in an absent or disrupted protein product. However, the current clinical and genetic evidence is not sufficient to establish whether loss-of-function variants in IFT88 cause disease. This variant is not present in population databases (gnomAD no frequency). This variant has not been reported in the literature in individuals affected with IFT88-related conditions. Experimental studies and prediction algorithms are not available or were not evaluated, and the functional significance of this variant is currently unknown. In summary, the available evidence is currently insufficient to determine the role of this variant in disease. Therefore, it has been classified as a Variant of Uncertain Significance.

NM_006531.5(IFT88):c.309dup (p.Thr104fs)

Gene: IFT88 (intraflagellar transport 88; plus strand). Cytogenetic location: 13q12.11.
Variant type: Duplication.
Coding change: c.309dup on transcript NM_006531.5 (MANE Select); coding-DNA position 309, one base duplicated (T; older notation c.309dupT).
Protein change: p.Thr104fs; shifts the reading frame from threonine 104.
Molecular consequence: frameshift variant. On other transcripts: 5 prime UTR variant (1), non-coding transcript variant (5).
Genome position (GRCh38, 1-based): chr13:20,591,662, T duplicated; the last of 4 consecutive T bases (chr13:20,591,659-20,591,662); duplicating any one gives the same sequence. VCF-style (leftmost placement, unchanged base first): chr13-20591658-G-GT. GRCh37 (hg19) VCF-style: chr13-21165797-G-GT.
Other names: c.252dup, p.Thr85fs (NM_001318491.2, NM_001353573.2, NM_001353574.2 and 1 more transcripts); c.336dup, p.Thr113fs (NM_001318493.2, NM_001353565.2, NM_001353566.2 and 6 more transcripts); c.309dup, p.Thr104fs (NM_001353568.2, NM_001353571.2, NM_001353572.2 and 1 more transcripts); c.-255dup (NM_001353579.2); short protein forms T85fs, T104fs, T113fs.
Identifiers: ClinVar variation 2022539 (VCV002022539.4), dbSNP rs1310552282, ClinGen allele CA696389050.
Genomic context (GRCh38, chr13:20,591,658, plus strand): 5'-GATTCCCATTCTCTTTAAAGGATGGAGTTACTAGACCCATGACAGCAGTGAGAGCAGCTG[G>GT]TTTTACCAAAGCAGCTTTGAGAGGTTTGTTACACTGTCTCTACTAATAATCTTTTTTGGA-3'